The following is an entry in ClinVar:

ClinVar aggregate classification (germline): Benign. Review status: criteria provided, multiple submitters, no conflicts (2 of 4 stars). 11 submissions from 10 submitters: Benign (8). 3 of the submissions do not count toward it. Last evaluated 2026-02-04.

Conditions:
Autosomal dominant cerebellar ataxia, deafness and narcolepsy. Also called: Autosomal Dominant Cerebellar Ataxia, Deafness, and Narcolepsy (ADCA-DN). Identifiers: Orphanet 314404, MedGen C4302668, MONDO:0011397, OMIM 604121.
Hereditary sensory neuropathy-deafness-dementia syndrome. Also called: HSN IE; Hereditary sensory neuropathy type IE; NEUROPATHY, HEREDITARY SENSORY, WITH HEARING LOSS AND DEMENTIA; Hereditary Sensory and Autonomic Neuropathy Type 1E (HSAN1E). Identifiers: Orphanet 456318, MedGen C3279885, MONDO:0013584, OMIM 614116.

Allele frequency attached by ClinVar (database versions not stated): ESP Exome Variant Server 0.48824; TOPMed 0.50265; gnomAD exomes 0.50368 and 0.51815; gnomAD 0.50605 and 0.50847; ExAC 0.51797; 1000 Genomes Project 30x 0.52701; 1000 Genomes Project 0.53335.
gnomAD v4.1: 814,037 of 1,613,734 alleles (50%); highest among the groups gnomAD compares: East Asian, 63%; 206,534 homozygotes.

Submissions (11):

Labcorp Genetics (formerly Invitae), Labcorp
Classification: Benign for Hereditary sensory neuropathy-deafness-dementia syndrome. Last evaluated: 2026-02-04. Review status: criteria provided, single submitter. Criteria: Invitae Variant Classification Sherloc (09022015). Collection method: clinical testing. Allele origin: germline.

Blueprint Genetics
Classification: Benign. Last evaluated: 2024-11-28. Review status: criteria provided, single submitter. Criteria: ACMG Guidelines, 2015. Collection method: clinical testing. Allele origin: germline.

Genome-Nilou Lab
Classification: Benign for Autosomal dominant cerebellar ataxia, deafness and narcolepsy. Last evaluated: 2021-07-30. Review status: criteria provided, single submitter. Criteria: ACMG Guidelines, 2015. Collection method: clinical testing. Allele origin: germline. Affected: no.

Genome-Nilou Lab
Classification: Benign for Hereditary sensory neuropathy-deafness-dementia syndrome. Last evaluated: 2021-07-30. Review status: criteria provided, single submitter. Criteria: ACMG Guidelines, 2015. Collection method: clinical testing. Allele origin: germline. Affected: no.

Illumina Laboratory Services, Illumina
Classification: Benign for Hereditary sensory neuropathy-deafness-dementia syndrome. Last evaluated: 2018-01-12. Review status: criteria provided, single submitter. Criteria: ICSL Variant Classification Criteria 13 December 2019. Collection method: clinical testing. Allele origin: germline.
Comment: This variant was observed in the ICSL laboratory as part of a predisposition screen in an ostensibly healthy population. It had not been previously curated by ICSL or reported in the Human Gene Mutation Database (HGMD: prior to June 1st, 2018), and was therefore a candidate for classification through an automated scoring system. Utilizing variant allele frequency, disease prevalence and penetrance estimates, and inheritance mode, an automated score was calculated to assess if this variant is too frequent to cause the disease. Based on the score and internal cut-off values, a variant classified as benign is not then subjected to further curation. The score for this variant resulted in a classification of benign for this disease.

GeneDx
Classification: Benign. Last evaluated: 2015-03-03. Review status: criteria provided, single submitter. Criteria: GeneDx Variant Classification Process June 2021. Collection method: clinical testing. Allele origin: germline. Affected: yes.

Breakthrough Genomics
Classification: Benign. Review status: criteria provided, single submitter. Criteria: ACMG Guidelines, 2015. Collection method: not provided. Allele origin: germline. Inheritance: Autosomal dominant inheritance. Affected: yes.

PreventionGenetics, part of Exact Sciences
Classification: Benign. Review status: criteria provided, single submitter. Criteria: ACMG Guidelines, 2015. Collection method: clinical testing. Allele origin: germline.

Clinical Genetics DNA and cytogenetics Diagnostics Lab, Erasmus MC, Erasmus Medical Center
Classification: Benign. Review status: no assertion criteria provided. Collection method: clinical testing. Allele origin: germline. Affected: yes. Study: VKGL Data-share Consensus. Not counted in ClinVar's aggregate classification.

Clinical Genetics, Academic Medical Center
Classification: Benign. Review status: no assertion criteria provided. Collection method: clinical testing. Allele origin: germline. Affected: yes. Study: VKGL Data-share Consensus. Not counted in ClinVar's aggregate classification.

Joint Genome Diagnostic Labs from Nijmegen and Maastricht, Radboudumc and MUMC+
Classification: Benign. Review status: no assertion criteria provided. Collection method: clinical testing. Allele origin: germline. Affected: yes. Study: VKGL Data-share Consensus. Not counted in ClinVar's aggregate classification.

NM_001130823.3(DNMT1):c.1832+14A>G

Gene: DNMT1 (DNA methyltransferase 1; minus strand). Cytogenetic location: 19p13.2.
Variant type: single nucleotide variant.
Coding change: c.1832+14A>G on transcript NM_001130823.3 (MANE Select); 14 bases into the intron after coding-DNA position 1832, A replaced by G.
Molecular consequence: intron variant.
Genome position (GRCh38, 1-based): chr19:10,154,572, T>C on the plus strand (A>G on the coding strand, the complement: DNMT1 is on the minus strand). VCF-style: chr19-10154572-T-C. GRCh37 (hg19) VCF-style: chr19-10265248-T-C.
Other names: c.1469+14A>G (NM_001318731.2); c.1784+14A>G (NM_001379.4, NM_001318730.2); c.1832+14A>G (LRG_362t1).
Identifiers: ClinVar variation 257538 (VCV000257538.23), dbSNP rs2114724, ClinGen allele CA9188203.
Genomic context (GRCh38, chr19:10,154,572, plus strand): 5'-GGGACAGAGGATGTGGGCCATGCTCTACCCTCCCCGGTCTCCAGTCTTCACTCTGGTCCC[T>C]GCCGCATCCTTACCTCTGTCCCAGCGTGACCCCAGCCAGCTTGATCAGGTCCCGCATGCA-3'